The following is an entry in ClinVar:

NM_001142864.4(PIEZO1):c.1574C>T (p.Thr525Ile)

Genes: HSALR1 (HSP90AB1 associated lncRNA 1; plus strand), PIEZO1 (piezo type mechanosensitive ion channel component 1 (Er blood group); minus strand). Cytogenetic location: 16q24.3.
Variant type: single nucleotide variant.
Coding change: c.1574C>T on transcript NM_001142864.4 (MANE Select); coding-DNA position 1574, C replaced by T.
Protein change: p.Thr525Ile; replaces threonine 525 with isoleucine.
Molecular consequence: missense variant.
Genome position (GRCh38, 1-based): chr16:88,735,230, G>A on the plus strand (C>T on the coding strand, the complement: PIEZO1 is on the minus strand). VCF-style: chr16-88735230-G-A. GRCh37 (hg19) VCF-style: chr16-88801638-G-A.
Other names: c.1574C>T (NM_001142864.3); c.119C>T, p.Thr40Ile (NM_014745.1); short protein forms T40I, T525I.
Identifiers: ClinVar variation 3212643 (VCV003212643.5), dbSNP rs765825619, ClinGen allele CA8232963.

ClinVar aggregate classification (germline): Conflicting classifications of pathogenicity. Review status: criteria provided, conflicting classifications (1 of 4 stars). 4 submissions from 4 submitters: Uncertain significance (2); Likely benign (1). 1 of the submissions does not count toward it. Last evaluated 2026-06-04.

Conditions:
PIEZO1-related disorder. Also called: PIEZO1-related condition; PIEZO1-Related Disorders.
Inborn genetic diseases. Identifiers: MedGen C0950123, MeSH D030342.
Lymphatic malformation 6 (LMPHM6). Also called: GENERALIZED LYMPHATIC DYSPLASIA OF FOTIOU; Lymphedema, hereditary, III; PIEZO1-related generalized lymphatic dysplasia with non-immune hydrops fetalis. Identifiers: Orphanet 568062, MedGen C4225184, MONDO:0014797, OMIM 616843.

Allele frequency attached by ClinVar (database versions not stated): gnomAD 0.00003; TOPMed 0.00006; ExAC 0.00005.
gnomAD v4.1: 47 of 1,550,104 alleles (0.003%); highest among the groups gnomAD compares: Admixed American, 0.0098%; no homozygotes.

Submissions (4):

Ambry Genetics
Classification: Uncertain significance for Inborn genetic diseases. Last evaluated: 2026-06-04. Review status: criteria provided, single submitter. Criteria: Ambry Variant Classification Scheme 2023. Collection method: clinical testing. Allele origin: germline.

Labcorp Genetics (formerly Invitae), Labcorp
Classification: Likely benign. Last evaluated: 2025-09-03. Review status: criteria provided, single submitter. Criteria: Invitae Variant Classification Sherloc (09022015). Collection method: clinical testing. Allele origin: germline.

Clinical Genomics Laboratory, Washington University in St. Louis
Classification: Uncertain significance for Lymphatic malformation 6. Last evaluated: 2025-08-25. Review status: criteria provided, single submitter. Criteria: ACMG Guidelines, 2015. Collection method: clinical testing. Allele origin: germline.
Comment: A PIEZO1 c.1574C>T (p.Thr525Ile) variant was identified at a near heterozygous allelic fraction of 47.5%, a frequency which may be consistent with it being of germline origin. This variant, to our knowledge, has not been reported in the medical literature but has been reported as a germline variant of uncertain significance in the ClinVar database by two submitters (ClinVar ID: 3212643). This variant is observed on 47/1,550,104 alleles in the general population (gnomAD v4.1.0), indicating it is not a common variant. Computational predictors indicate that the variant has no impact on the PIEZO1 function. Due to limited information, and based on ACMG/AMP guidelines for variant interpretation (Richards S et al., PMID: 25741868), the clinical significance of this variant is uncertain at this time.

PreventionGenetics, part of Exact Sciences
Classification: Uncertain significance for PIEZO1-related condition. Last evaluated: 2024-08-28. Review status: no assertion criteria provided. Collection method: clinical testing. Allele origin: germline. Not counted in ClinVar's aggregate classification.
Comment: The PIEZO1 c.1574C>T variant is predicted to result in the amino acid substitution p.Thr525Ile. To our knowledge, this variant has not been reported in the literature. This variant is reported in 0.0099% of alleles in individuals of European (Non-Finnish) descent in gnomAD. At this time, the clinical significance of this variant is uncertain due to the absence of conclusive functional and genetic evidence.